The following is an entry in ClinVar:

ClinVar aggregate classification (germline): Likely benign (1 of 4 stars; one submission).

Allele frequency attached by ClinVar (database versions not stated): TOPMed 0.00001 and below 0.00001.

Submission:

GeneDx
Classification: Likely benign. Last evaluated: 2016-03-30. Review status: criteria provided, single submitter. Criteria: GeneDx Variant Classification (06012015). Collection method: clinical testing. Allele origin: germline. Affected: yes.
Comment: This variant is considered likely benign or benign based on one or more of the following criteria: it is a conservative change, it occurs at a poorly conserved position in the protein, it is predicted to be benign by multiple in silico algorithms, and/or has population frequency not consistent with disease.

NM_000178.4(GSS):c.-28C>A

Gene: GSS (glutathione synthetase; minus strand). Cytogenetic location: 20q11.22.
Variant type: single nucleotide variant.
Coding change: c.-28C>A on transcript NM_000178.4 (MANE Select); 28 bases upstream of the start codon, C replaced by A.
Molecular consequence: 5 prime UTR variant. On other transcripts: intron variant (1).
Genome position (GRCh38, 1-based): chr20:34,955,746, G>T on the plus strand (C>A on the coding strand, the complement: GSS is on the minus strand). VCF-style: chr20-34955746-G-T. GRCh37 (hg19) VCF-style: chr20-33543549-G-T.
Other names: c.-28C>A (LRG_1168t1); c.-9+124C>A (NM_001322494.1).
Identifiers: ClinVar variation 384568 (VCV000384568.1), dbSNP rs1057521997, ClinGen allele CA16609037.